The following is an entry in ClinVar:

ClinVar aggregate classification (germline): Likely benign (1 of 4 stars; one submission).

gnomAD v4.1: 143 of 1,604,796 alleles (0.0089%); highest among the groups gnomAD compares: African/African-American, 0.16%; no homozygotes.

Submission:

Mayo Clinic Laboratories, Mayo Clinic
Classification: Likely benign. Last evaluated: 2025-09-04. Review status: criteria provided, single submitter. Criteria: ACMG Guidelines, 2015. Collection method: clinical testing. Allele origin: germline. Observed: 1 variant allele.
Comment: BS1, BP4, BP7

NM_000137.4(FAH):c.960+26C>T

Gene: FAH (fumarylacetoacetate hydrolase; plus strand). Cytogenetic location: 15q25.1.
Variant type: single nucleotide variant.
Coding change: c.960+26C>T on transcript NM_000137.4 (MANE Select); 26 bases into the intron after coding-DNA position 960, C replaced by T.
Molecular consequence: intron variant.
Genome position (GRCh38, 1-based): chr15:80,177,609, C>T. VCF-style: chr15-80177609-C-T. GRCh37 (hg19) VCF-style: chr15-80469951-C-T.
Other names: p.?; c.960+26C>T (NM_001374377.1, NM_001374380.1).
Identifiers: ClinVar variation 4684015 (VCV004684015.1).